The following is an entry in ClinVar:

ClinVar aggregate classification (germline): Uncertain significance (1 of 4 stars; one submission).

Submission:

GeneDx
Classification: Uncertain significance. Last evaluated: 2025-04-17. Review status: criteria provided, single submitter. Criteria: GeneDx Variant Classification Process June 2021. Collection method: clinical testing. Allele origin: germline. Affected: yes.
Comment: Not observed at significant frequency in large population cohorts (gnomAD); In silico analysis supports that this missense variant has a deleterious effect on protein structure/function; Has not been previously published as pathogenic or benign to our knowledge

NM_001163809.2(WDR81):c.5599T>C (p.Ser1867Pro)

Gene: WDR81 (WD repeat domain 81; plus strand). Cytogenetic location: 17p13.3.
Variant type: single nucleotide variant.
Coding change: c.5599T>C on transcript NM_001163809.2 (MANE Select); coding-DNA position 5599, T replaced by C.
Protein change: p.Ser1867Pro; replaces serine 1867 with proline.
Molecular consequence: missense variant.
Genome position (GRCh38, 1-based): chr17:1,737,458, T>C. VCF-style: chr17-1737458-T-C. GRCh37 (hg19) VCF-style: chr17-1640752-T-C.
Other names: c.1918T>C, p.Ser640Pro (NM_001163811.2); c.2446T>C, p.Ser816Pro (NM_152348.4); c.1990T>C, p.Ser664Pro (NM_001163673.2); short protein forms S1867P, S640P, S664P, S816P.
Identifiers: ClinVar variation 4282384 (VCV004282384.1).